The following is an entry in ClinVar:

NM_000263.4(NAGLU):c.532-1G>A

Gene: NAGLU (N-acetyl-alpha-glucosaminidase; plus strand). Cytogenetic location: 17q21.2.
Variant type: single nucleotide variant.
Coding change: c.532-1G>A on transcript NM_000263.4 (MANE Select); the canonical splice acceptor site of the intron before coding-DNA position 532, G replaced by A.
Molecular consequence: splice acceptor variant.
Genome position (GRCh38, 1-based): chr17:42,538,338, G>A. VCF-style: chr17-42538338-G-A. GRCh37 (hg19) VCF-style: chr17-40690356-G-A.
Identifiers: ClinVar variation 1486143 (VCV001486143.8), dbSNP rs2143086378, ClinGen allele CA399598325.
Genomic context (GRCh38, chr17:42,538,338, plus strand): 5'-GAATGAATGAATGAATGAATGAAGATGAATATATTTCTATGTGTGGGCCCTTCTTCCTCA[G>A]GTGTACCTGGCCTTGGGCCTGACCCAGGCAGAGATCAATGAGTTCTTTACTGGTCCTGCC-3'

ClinVar aggregate classification (germline): Likely pathogenic (1 of 4 stars; one submission).

Conditions:
Mucopolysaccharidosis, MPS-III-B (MPS3B). Also called: N-ACETYL-ALPHA-D-GLUCOSAMINIDASE DEFICIENCY; NAGLU DEFICIENCY; SANFILIPPO SYNDROME B; MPS III B; MPS IIIB (Sanfilippo Syndrome Type B); MUCOPOLYSACCHARIDOSIS, TYPE IIIB. Identifiers: Orphanet 79270, MedGen C0086648, MONDO:0009656, OMIM 252920.
Charcot-Marie-Tooth disease axonal type 2V. Also called: CHARCOT-MARIE-TOOTH NEUROPATHY, TYPE 2V; CHARCOT-MARIE-TOOTH DISEASE, AXONAL, AUTOSOMAL DOMINANT, TYPE 2V. Identifiers: Orphanet 447964, MedGen C5569050, MONDO:0014665, OMIM 616491.

Submission:

Labcorp Genetics (formerly Invitae), Labcorp
Classification: Likely pathogenic for Charcot-Marie-Tooth disease axonal type 2V; Mucopolysaccharidosis, MPS-III-B. Last evaluated: 2021-02-18. Review status: criteria provided, single submitter. Criteria: Invitae Variant Classification Sherloc (09022015). Collection method: clinical testing. Allele origin: germline.
Comment: This variant is not present in population databases (ExAC no frequency). This sequence change affects an acceptor splice site in intron 2 of the NAGLU gene. It is expected to disrupt RNA splicing. Variants that disrupt the donor or acceptor splice site typically lead to a loss of protein function (PMID: 16199547), and loss-of-function variants in NAGLU are known to be pathogenic (PMID: 9832037, 10094189, 16151907). This variant has not been reported in the literature in individuals with NAGLU-related conditions. In summary, the currently available evidence indicates that the variant is pathogenic, but additional data are needed to prove that conclusively. Therefore, this variant has been classified as Likely Pathogenic. Algorithms developed to predict the effect of sequence changes on RNA splicing suggest that this variant may disrupt the consensus splice site, but this prediction has not been confirmed by published transcriptional studies.

Literature cited by the submitters: PubMed 16199547; PubMed 9832037; PubMed 10094189; PubMed 16151907.